The following is an entry in ClinVar:

NM_005911.6(MAT2A):c.1156C>T (p.Pro386Ser)

Genes: GGCX (gamma-glutamyl carboxylase; minus strand), MAT2A (methionine adenosyltransferase 2A; plus strand). Cytogenetic location: 2p11.2.
Variant type: single nucleotide variant.
Coding change: c.1156C>T on transcript NM_005911.6 (MANE Select); coding-DNA position 1156, C replaced by T.
Protein change: p.Pro386Ser; replaces proline 386 with serine.
Molecular consequence: missense variant.
Genome position (GRCh38, 1-based): chr2:85,543,740, C>T. VCF-style: chr2-85543740-C-T. GRCh37 (hg19) VCF-style: chr2-85770863-C-T.
Other names: short protein forms P386S.
Identifiers: ClinVar variation 4809881 (VCV004809881.1).
Genomic context (GRCh38, chr2:85,543,740, plus strand): 5'-CTGAAGAAGCCAATTTATCAGAGGACTGCAGCCTATGGCCACTTTGGTAGGGACAGCTTC[C>T]CATGGGAAGTGCCCAAAAAGCTTAAATATTGAAAGTGTTAGCCTTTTTTCCCCAGACTTG-3'
Protein context (NP_005902.1, residues 376-395): AYGHFGRDSF[Pro386Ser]WEVPKKLKY

ClinVar aggregate classification (germline): Uncertain significance (1 of 4 stars; one submission).

Conditions:
Familial thoracic aortic aneurysm and aortic dissection (TAAD). Also called: Thoracic aortic aneurysms and dissections. Identifiers: Orphanet 91387, MedGen C4707243, MONDO:0019625.

Submission:

Labcorp Genetics (formerly Invitae), Labcorp
Classification: Uncertain significance for Familial thoracic aortic aneurysm and aortic dissection. Last evaluated: 2025-12-19. Review status: criteria provided, single submitter. Criteria: Invitae Variant Classification Sherloc (09022015). Collection method: clinical testing. Allele origin: germline.
Comment: This sequence change replaces proline, which is neutral and non-polar, with serine, which is neutral and polar, at codon 386 of the MAT2A protein (p.Pro386Ser). This variant is not present in population databases (gnomAD no frequency). This variant has not been reported in the literature in individuals affected with MAT2A-related conditions. Invitae Evidence Modeling of protein sequence and biophysical properties (such as structural, functional, and spatial information, amino acid conservation, physicochemical variation, residue mobility, and thermodynamic stability) indicates that this missense variant is not expected to disrupt MAT2A protein function with a negative predictive value of 80%. In summary, the available evidence is currently insufficient to determine the role of this variant in disease. Therefore, it has been classified as a Variant of Uncertain Significance.